The following is an entry in ClinVar:

ClinVar aggregate classification (germline): Uncertain significance (1 of 4 stars; one submission).

Allele frequency attached by ClinVar (database versions not stated): gnomAD exomes below 0.00001.
gnomAD v4.1: 2 of 1,613,362 alleles (0.00012%); highest among the groups gnomAD compares: South Asian, 0.0011%; no homozygotes.

Submission:

GeneDx
Classification: Uncertain significance. Last evaluated: 2019-11-13. Review status: criteria provided, single submitter. Criteria: GeneDx Variant Classification Process June 2021. Collection method: clinical testing. Allele origin: germline. Affected: yes.
Comment: Not observed in large population cohorts (Lek et al., 2016); Missense variant in the I-band in a gene in which most reported pathogenic variants are truncating/loss-of-function; Has not been previously published as pathogenic or benign to our knowledge

NM_001267550.2(TTN):c.23167T>C (p.Cys7723Arg)

Gene: TTN (titin; minus strand). Cytogenetic location: 2q31.2.
Variant type: single nucleotide variant.
Coding change: c.23167T>C on transcript NM_001267550.2 (MANE Select); coding-DNA position 23167, T replaced by C.
Protein change: p.Cys7723Arg; replaces cysteine 7723 with arginine.
Molecular consequence: missense variant. On other transcripts: intron variant (3).
Genome position (GRCh38, 1-based): chr2:178,720,595, A>G on the plus strand (T>C on the coding strand, the complement: TTN is on the minus strand). VCF-style: chr2-178720595-A-G. GRCh37 (hg19) VCF-style: chr2-179585322-A-G.
Other names: c.22216T>C, p.Cys7406Arg (NM_001256850.1); c.19435T>C, p.Cys6479Arg (NM_133378.4); c.13282+17487T>C (NM_003319.4); c.13858+17487T>C (NM_133437.4); c.13657+17487T>C (NM_133432.3); short protein forms C6479R, C7406R, C7723R.
Identifiers: ClinVar variation 1309925 (VCV001309925.2), dbSNP rs2078198396, ClinGen allele CA349515221.
Genomic context (GRCh38, chr2:178,720,595, plus strand): 5'-TAACCTGCTTTCGATCTTTAACCCATACTACTTCAAATGGGGGAGTTCCCGAAATTTCAC[A>G]TTGGAGAATCACATCAGAACCTTTAAGAGCTCCTACTGGAGAAGGCTTCTGGGTGAAAAC-3'
Protein context (NP_001254479.2, residues 7713-7733): ALKGSDVILQ[Cys7723Arg]EISGTPPFEV